The following is an entry in ClinVar:

NM_024426.6(WT1):c.537C>G (p.Ala179=)

Genes: WT1 (WT1 transcription factor; minus strand), LOC107982234 (WT1/WT1-AS bi-directional promoter region; plus strand). Cytogenetic location: 11p13.
Variant type: single nucleotide variant.
Coding change: c.537C>G on transcript NM_024426.6 (MANE Select); coding-DNA position 537, C replaced by G.
Protein change: p.Ala179=; no amino-acid change (alanine 179 retained).
Molecular consequence: synonymous variant. On other transcripts: non-coding transcript variant (2).
Genome position (GRCh38, 1-based): chr11:32,434,824, G>C on the plus strand (C>G on the coding strand, the complement: WT1 is on the minus strand). VCF-style: chr11-32434824-G-C. GRCh37 (hg19) VCF-style: chr11-32456370-G-C.
Other names: c.537C>G, p.Ala179= (NM_000378.6, NM_001407044.1, NM_001407045.1 and 6 more transcripts); c.522C>G, p.Ala174= (NM_024425.2).
Identifiers: ClinVar variation 2578654 (VCV002578654.25), dbSNP rs1452353785, ClinGen allele CA473571463.

ClinVar aggregate classification (germline): Likely benign (1 of 4 stars; one submission).

Submission:

CeGaT Center for Human Genetics Tuebingen
Classification: Likely benign. Last evaluated: 2024-11-01. Review status: criteria provided, single submitter. Criteria: CeGaT Center For Human Genetics Tuebingen Variant Classification Criteria Version 2. Collection method: clinical testing. Allele origin: germline. Affected: yes. Observed: 2 variant alleles.
Comment: WT1: PM2:Supporting, BP4, BP7